The following is an entry in ClinVar:

ClinVar aggregate classification (germline): Benign (1 of 4 stars; one submission).

Submission:

Unidad de Genómica Garrahan, Hospital de Pediatría Garrahan
Classification: Benign. Last evaluated: 2024-01-24. Review status: criteria provided, single submitter. Criteria: ACMG Guidelines, 2015. Collection method: clinical testing. Allele origin: germline. Affected: no. Observed: 20 variant alleles.
Comment: This variant is classified as Benign based on local population frequency. This variant was detected in 21% of patients studied by a panel of primary immunodeficiencies. Number of patients: 20. Only high quality variants are reported.

NM_005060.4(RORC):c.156+71_156+72insCACACACT

Gene: RORC (RAR related orphan receptor C; minus strand). Cytogenetic location: 1q21.3.
Variant type: Microsatellite.
Coding change: c.156+71_156+72insCACACACT on transcript NM_005060.4 (MANE Select); bases 71 to 72 of the intron after coding-DNA position 156, CACACACT inserted.
Molecular consequence: intron variant.
Genome position: GRCh38 VCF-style: chr1-151817123-T-TGTGTGTGA. GRCh37 (hg19) VCF-style: chr1-151789599-T-TGTGTGTGA.
Other names: c.93+71_93+72insCACACACT (NM_001001523.2).
Identifiers: ClinVar variation 2688335 (VCV002688335.2), dbSNP rs2525632533.